The following is an entry in ClinVar:

NM_000310.4(PPT1):c.722C>A (p.Ser241Ter)

Gene: PPT1 (palmitoyl-protein thioesterase 1; minus strand). Cytogenetic location: 1p34.2.
Variant type: single nucleotide variant.
Coding change: c.722C>A on transcript NM_000310.4 (MANE Select); coding-DNA position 722, C replaced by A.
Protein change: p.Ser241Ter; replaces serine 241 with a stop codon.
Molecular consequence: nonsense.
Genome position (GRCh38, 1-based): chr1:40,078,564, G>T on the plus strand (C>A on the coding strand, the complement: PPT1 is on the minus strand). VCF-style: chr1-40078564-G-T. GRCh37 (hg19) VCF-style: chr1-40544236-G-T.
Other names: c.413C>A, p.Ser138Ter (NM_001142604.2); c.722C>A, p.Ser241Ter (NM_001363695.2); short protein forms S138*, S241*.
Identifiers: ClinVar variation 2011017 (VCV002011017.4), dbSNP rs746043871, ClinGen allele CA339846561.

ClinVar aggregate classification (germline): Pathogenic (1 of 4 stars; one submission).

Conditions:
Neuronal ceroid lipofuscinosis 1 (CLN1). Also called: PPT1-Related Neuronal Ceroid-Lipofuscinosis; CEROID LIPOFUSCINOSIS, NEURONAL, 1, VARIABLE AGE AT ONSET. Identifiers: Orphanet 228329, MedGen C1850451, MONDO:0009744, OMIM 256730.

Submission:

Labcorp Genetics (formerly Invitae), Labcorp
Classification: Pathogenic for Neuronal ceroid lipofuscinosis 1. Last evaluated: 2023-12-06. Review status: criteria provided, single submitter. Criteria: Invitae Variant Classification Sherloc (09022015). Collection method: clinical testing. Allele origin: germline.
Comment: This sequence change creates a premature translational stop signal (p.Ser241*) in the PPT1 gene. It is expected to result in an absent or disrupted protein product. Loss-of-function variants in PPT1 are known to be pathogenic (PMID: 10679943, 21990111). This variant is not present in population databases (gnomAD no frequency). This variant has not been reported in the literature in individuals affected with PPT1-related conditions. ClinVar contains an entry for this variant (Variation ID: 2011017). For these reasons, this variant has been classified as Pathogenic.

Literature cited by the submitters: PubMed 10679943; PubMed 21990111.